The following is an entry in ClinVar:

ClinVar aggregate classification (germline): Uncertain significance (1 of 4 stars; one submission).

Submission:

Labcorp Genetics (formerly Invitae), Labcorp
Classification: Uncertain significance. Last evaluated: 2022-03-10. Review status: criteria provided, single submitter. Criteria: Invitae Variant Classification Sherloc (09022015). Collection method: clinical testing. Allele origin: germline.
Comment: In summary, the available evidence is currently insufficient to determine the role of this variant in disease. Therefore, it has been classified as a Variant of Uncertain Significance. This variant has not been reported in the literature in individuals affected with TJP2-related conditions. This variant results in a copy number gain of the genomic region encompassing exon(s) 12-23 of the TJP2 gene. This region includes the termination codon of the gene. This copy number gain extends beyond the assayed region for this gene and therefore may encompass additional genes. As the precise location of this event is unknown, it may be in tandem or it may be located elsewhere in the genome.

NC_000009.11:g.(?_71849335)_(72006720_?)dup

Genes: BANCR (BRAF-activated non-protein coding RNA; minus strand), ENTREP1 (endosomal transmembrane epsin interactor 1; plus strand), TJP2 (tight junction protein 2; plus strand). Cytogenetic location: 9q21.11.
Variant type: Duplication.
Identifiers: ClinVar variation 1411284 (VCV001411284.5).